The following is an entry in ClinVar:

ClinVar aggregate classification (germline): Conflicting classifications of pathogenicity. Review status: criteria provided, conflicting classifications (1 of 4 stars). 3 submissions from 3 submitters: Uncertain significance (1); Likely benign (2). Last evaluated 2025-12-24.

Conditions:
Charcot-Marie-Tooth disease type 4. Also called: Charcot-Marie-Tooth disease, type IV; Charcot-Marie-Tooth, Type 4. Identifiers: Orphanet 64749, MedGen C4082197, MONDO:0018995.
Yunis-Varon syndrome (YVS). Also called: Cleidocranial dysplasia, micrognathia, absent thumbs, & distal aphalangia. Identifiers: Orphanet 3472, MedGen C1857663, MONDO:0008995, OMIM 216340.

Allele frequency attached by ClinVar (database versions not stated): gnomAD exomes 0.00011 and 0.00023; ExAC 0.00014; ESP Exome Variant Server 0.00023; TOPMed 0.00023; gnomAD 0.00025 and 0.00026.
gnomAD v4.1: 198 of 1,602,534 alleles (0.012%); highest among the groups gnomAD compares: Middle Eastern, 0.087%; no homozygotes.

Submissions (3):

Labcorp Genetics (formerly Invitae), Labcorp
Classification: Likely benign for Charcot-Marie-Tooth disease type 4. Last evaluated: 2025-12-24. Review status: criteria provided, single submitter. Criteria: Invitae Variant Classification Sherloc (09022015). Collection method: clinical testing. Allele origin: germline.

ARUP Laboratories, Molecular Genetics and Genomics, ARUP Laboratories
Classification: Likely benign. Last evaluated: 2025-06-25. Review status: criteria provided, single submitter. Criteria: ARUP Molecular Germline Variant Investigation Process 2024. Collection method: clinical testing. Allele origin: germline.

Centre for Mendelian Genomics, University Medical Centre Ljubljana
Classification: Uncertain significance for Yunis-Varon syndrome. Last evaluated: 2019-03-01. Review status: criteria provided, single submitter. Criteria: ACMG Guidelines, 2015. Collection method: clinical testing. Allele origin: unknown. Affected: yes.
Comment: This variant was classified as: Uncertain significance. The available evidence on this variant's pathogenicity is insufficient or conflicting. The following ACMG criteria were applied in classifying this variant: BP4.

NM_014845.6(FIG4):c.1751-16A>G

Gene: FIG4 (FIG4 phosphoinositide 5-phosphatase; plus strand). Cytogenetic location: 6q21.
Variant type: single nucleotide variant.
Coding change: c.1751-16A>G on transcript NM_014845.6 (MANE Select); 16 bases into the intron before coding-DNA position 1751, A replaced by G.
Molecular consequence: intron variant.
Genome position (GRCh38, 1-based): chr6:109,776,906, A>G. VCF-style: chr6-109776906-A-G. GRCh37 (hg19) VCF-style: chr6-110098109-A-G.
Identifiers: ClinVar variation 930721 (VCV000930721.11), dbSNP rs200778905, ClinGen allele CA3956174.